The following is an entry in ClinVar:

ClinVar aggregate classification (germline): Conflicting classifications of pathogenicity. Review status: criteria provided, conflicting classifications (1 of 4 stars). 5 submissions from 5 submitters: Uncertain significance (3); Likely benign (2). Last evaluated 2024-12-09.

Conditions:
Inborn genetic diseases. Identifiers: MedGen C0950123, MeSH D030342.

Allele frequency attached by ClinVar (database versions not stated): gnomAD exomes 0.00006 and 0.00014; ExAC 0.00022; ESP Exome Variant Server 0.00032; TOPMed 0.00048; gnomAD 0.00053; 1000 Genomes Project 0.00060; 1000 Genomes Project 30x 0.00062.
gnomAD v4.1: 165 of 1,610,880 alleles (0.01%); highest among the groups gnomAD compares: African/African-American, 0.14%; no homozygotes.

Submissions (5):

Labcorp Genetics (formerly Invitae), Labcorp
Classification: Uncertain significance. Last evaluated: 2024-12-09. Review status: criteria provided, single submitter. Criteria: Invitae Variant Classification Sherloc (09022015). Collection method: clinical testing. Allele origin: germline.
Comment: This sequence change replaces arginine, which is basic and polar, with glutamine, which is neutral and polar, at codon 173 of the DOCK6 protein (p.Arg173Gln). This variant is present in population databases (rs373956807, gnomAD 0.1%). This variant has not been reported in the literature in individuals affected with DOCK6-related conditions. ClinVar contains an entry for this variant (Variation ID: 1356814). Invitae Evidence Modeling of protein sequence and biophysical properties (such as structural, functional, and spatial information, amino acid conservation, physicochemical variation, residue mobility, and thermodynamic stability) indicates that this missense variant is not expected to disrupt DOCK6 protein function with a negative predictive value of 80%. In summary, the available evidence is currently insufficient to determine the role of this variant in disease. Therefore, it has been classified as a Variant of Uncertain Significance.

Ambry Genetics
Classification: Uncertain significance for Inborn genetic diseases. Last evaluated: 2024-11-20. Review status: criteria provided, single submitter. Criteria: Ambry Variant Classification Scheme 2023. Collection method: clinical testing. Allele origin: germline.

Blueprint Genetics
Classification: Uncertain significance. Last evaluated: 2022-07-26. Review status: criteria provided, single submitter. Criteria: ACMG Guidelines, 2015. Collection method: clinical testing. Allele origin: germline.

CeGaT Center for Human Genetics Tuebingen
Classification: Likely benign. Last evaluated: 2022-06-01. Review status: criteria provided, single submitter. Criteria: CeGaT Center For Human Genetics Tuebingen Variant Classification Criteria Version 2. Collection method: clinical testing. Allele origin: germline. Affected: yes. Observed: 1 variant allele.
Comment: DOCK6: BP4

Laboratorio de Genetica e Diagnostico Molecular, Hospital Israelita Albert Einstein
Classification: Likely benign. Last evaluated: 2020-01-03. Review status: criteria provided, single submitter. Criteria: ACMG Guidelines, 2015. Collection method: clinical testing. Allele origin: germline. Affected: yes.
Comment: ACMG classification criteria: BS1, BP4

NM_020812.4(DOCK6):c.518G>A (p.Arg173Gln)

Gene: DOCK6 (dedicator of cytokinesis 6; minus strand). Cytogenetic location: 19p13.2.
Variant type: single nucleotide variant.
Coding change: c.518G>A on transcript NM_020812.4 (MANE Select); coding-DNA position 518, G replaced by A.
Protein change: p.Arg173Gln; replaces arginine 173 with glutamine.
Molecular consequence: missense variant.
Genome position (GRCh38, 1-based): chr19:11,251,076, C>T on the plus strand (G>A on the coding strand, the complement: DOCK6 is on the minus strand). VCF-style: chr19-11251076-C-T. GRCh37 (hg19) VCF-style: chr19-11361752-C-T.
Other names: c.518G>A, p.Arg173Gln (NM_001367830.1); c.518G>A (NM_020812.2); short protein forms R173Q.
Identifiers: ClinVar variation 1356814 (VCV001356814.32), dbSNP rs373956807, ClinGen allele CA9208452.